The following is an entry in ClinVar:

ClinVar aggregate classification (germline): Uncertain significance. Review status: criteria provided, multiple submitters, no conflicts (2 of 4 stars). 2 submissions from 2 submitters: Uncertain significance (2). Last evaluated 2025-01-05.

Conditions:
Periventricular nodular heterotopia 7 (PVNH7). Identifiers: MedGen C4310669, MONDO:0014966, OMIM 617201.

Allele frequency attached by ClinVar (database versions not stated): gnomAD exomes below 0.00001; ExAC 0.00001.
gnomAD v4.1: 6 of 1,611,916 alleles (0.00037%); highest among the groups gnomAD compares: Non-Finnish European, 0.00042%; no homozygotes.

Submissions (2):

Labcorp Genetics (formerly Invitae), Labcorp
Classification: Uncertain significance. Last evaluated: 2025-01-05. Review status: criteria provided, single submitter. Criteria: Invitae Variant Classification Sherloc (09022015). Collection method: clinical testing. Allele origin: germline.
Comment: This sequence change replaces lysine, which is basic and polar, with arginine, which is basic and polar, at codon 552 of the NEDD4L protein (p.Lys552Arg). This variant is not present in population databases (gnomAD no frequency). This variant has not been reported in the literature in individuals affected with NEDD4L-related conditions. ClinVar contains an entry for this variant (Variation ID: 1387641). Invitae Evidence Modeling of protein sequence and biophysical properties (such as structural, functional, and spatial information, amino acid conservation, physicochemical variation, residue mobility, and thermodynamic stability) indicates that this missense variant is not expected to disrupt NEDD4L protein function with a negative predictive value of 80%. In summary, the available evidence is currently insufficient to determine the role of this variant in disease. Therefore, it has been classified as a Variant of Uncertain Significance.

Neuberg Centre For Genomic Medicine, NCGM
Classification: Uncertain significance for Periventricular nodular heterotopia 7. Review status: criteria provided, single submitter. Criteria: ACMG Guidelines, 2015. Collection method: clinical testing. Allele origin: germline. Inheritance: Autosomal dominant inheritance. Affected: yes.
Comment: The observed missense variant c.1715A>G (p.Lys572Arg) in NEDD4L gene has not been reported previously as a pathogenic variant nor as a benign variant, to our knowledge. The p.Lys572Arg variant is absent in gnomAD Exomes. This variant has been submitted to the ClinVar database as Uncertain Significance. The amino acid change p.Lys572Arg in NEDD4L is predicted as conserved by GERP++ and PhyloP across 100 vertebrates. The amino acid Lys at position 572 is changed to a Arg changing protein sequence and it might alter its composition and physico-chemical properties. For these reasons, this variant has been classified as Variant of Uncertain Significance (VUS).

NM_001144967.3(NEDD4L):c.1715A>G (p.Lys572Arg)

Gene: NEDD4L (NEDD4 like E3 ubiquitin protein ligase; plus strand). Cytogenetic location: 18q21.31.
Variant type: single nucleotide variant.
Coding change: c.1715A>G on transcript NM_001144967.3 (MANE Select); coding-DNA position 1715, A replaced by G.
Protein change: p.Lys572Arg; replaces lysine 572 with arginine.
Molecular consequence: missense variant.
Genome position (GRCh38, 1-based): chr18:58,357,200, A>G. VCF-style: chr18-58357200-A-G. GRCh37 (hg19) VCF-style: chr18-56024432-A-G.
Other names: c.1691A>G, p.Lys564Arg (NM_001144968.2); c.1631A>G, p.Lys544Arg (NM_001144969.2); c.1292A>G, p.Lys431Arg (NM_001144970.3, NM_001144971.2); c.1523A>G, p.Lys508Arg (NM_001243960.2); c.1655A>G, p.Lys552Arg (NM_015277.6); c.1352A>G, p.Lys451Arg (NM_001144964.1, NM_001144965.2, NM_001144966.3); short protein forms K508R, K552R, K564R, K431R, K451R, K544R, K572R.
Identifiers: ClinVar variation 1387641 (VCV001387641.7), dbSNP rs755945721, ClinGen allele CA8975795.